The following is an entry in ClinVar:

NM_004963.4(GUCY2C):c.35C>T (p.Ser12Leu)

Genes: GUCY2C (guanylate cyclase 2C; minus strand), GUCY2C-AS1 (GUCY2C antisense RNA 1; plus strand). Cytogenetic location: 12p12.3.
Variant type: single nucleotide variant.
Coding change: c.35C>T on transcript NM_004963.4 (MANE Select); coding-DNA position 35, C replaced by T.
Protein change: p.Ser12Leu; replaces serine 12 with leucine.
Molecular consequence: missense variant.
Genome position (GRCh38, 1-based): chr12:14,696,414, G>A on the plus strand (C>T on the coding strand, the complement: GUCY2C is on the minus strand). VCF-style: chr12-14696414-G-A. GRCh37 (hg19) VCF-style: chr12-14849348-G-A.
Other names: c.35C>T (NM_004963.3); short protein forms S12L.
Identifiers: ClinVar variation 2002779 (VCV002002779.6), dbSNP rs768594460, ClinGen allele CA6463861.

ClinVar aggregate classification (germline): Uncertain significance. Review status: criteria provided, multiple submitters, no conflicts (2 of 4 stars). 2 submissions from 2 submitters: Uncertain significance (2). Last evaluated 2023-07-17.

Conditions:
Inborn genetic diseases. Identifiers: MedGen C0950123, MeSH D030342.

Allele frequency attached by ClinVar (database versions not stated): ExAC 0.00001.
gnomAD v4.1: 3 of 1,613,954 alleles (0.00019%); highest among the groups gnomAD compares: Non-Finnish European, 0.000085%; no homozygotes.

Submissions (2):

Labcorp Genetics (formerly Invitae), Labcorp
Classification: Uncertain significance. Last evaluated: 2023-07-17. Review status: criteria provided, single submitter. Criteria: Invitae Variant Classification Sherloc (09022015). Collection method: clinical testing. Allele origin: germline.
Comment: In summary, the available evidence is currently insufficient to determine the role of this variant in disease. Therefore, it has been classified as a Variant of Uncertain Significance. Algorithms developed to predict the effect of missense changes on protein structure and function output the following: SIFT: "Not Available"; PolyPhen-2: "Benign"; Align-GVGD: "Not Available". The leucine amino acid residue is found in multiple mammalian species, which suggests that this missense change does not adversely affect protein function. ClinVar contains an entry for this variant (Variation ID: 2002779). This variant has not been reported in the literature in individuals affected with GUCY2C-related conditions. This variant is present in population databases (rs768594460, gnomAD 0.01%). This sequence change replaces serine, which is neutral and polar, with leucine, which is neutral and non-polar, at codon 12 of the GUCY2C protein (p.Ser12Leu).

Ambry Genetics
Classification: Uncertain significance for Inborn genetic diseases. Last evaluated: 2023-05-26. Review status: criteria provided, single submitter. Criteria: Ambry Variant Classification Scheme 2023. Collection method: clinical testing. Allele origin: germline.